The following is an entry in ClinVar:

ClinVar aggregate classification (germline): Likely benign (0 of 4 stars; one submission).

Conditions:
TNK1-related disorder. Also called: TNK1-related condition.

Submission:

PreventionGenetics, part of Exact Sciences
Classification: Likely benign for TNK1-related condition. Last evaluated: 2019-03-11. Review status: no assertion criteria provided. Collection method: clinical testing. Allele origin: germline.
Comment: This variant is classified as likely benign based on ACMG/AMP sequence variant interpretation guidelines (Richards et al. 2015 PMID: 25741868, with internal and published modifications).

NM_003985.6(TNK1):c.427-9del

Gene: TNK1 (tyrosine kinase non receptor 1; plus strand). Cytogenetic location: 17p13.1.
Variant type: Deletion.
Coding change: c.427-9del on transcript NM_003985.6 (MANE Select); 9 bases into the intron before coding-DNA position 427, one base deleted (C; older notation c.427-9delC).
Molecular consequence: intron variant.
Genome position (GRCh38, 1-based): chr17:7,383,700, C deleted; the last of 6 consecutive C bases (chr17:7,383,695-7,383,700); deleting any one gives the same sequence. VCF-style (leftmost placement, unchanged base first): chr17-7383694-TC-T. GRCh37 (hg19) VCF-style: chr17-7287013-TC-T.
Other names: c.427-9del (NM_001251902.3).
Identifiers: ClinVar variation 3053179 (VCV003053179.2), dbSNP rs567484359, ClinGen allele CA8344966.